The following is an entry in ClinVar:

ClinVar aggregate classification (germline): Conflicting classifications of pathogenicity. Review status: criteria provided, conflicting classifications (1 of 4 stars). 4 submissions from 4 submitters: Uncertain significance (1); Benign (1); Likely benign (2). Last evaluated 2025-07-17.

Conditions:
Lynch syndrome. Identifiers: Orphanet 144, MedGen C4552100, MONDO:0005835. Disease mechanism: loss of function.
Hereditary cancer-predisposing syndrome. Also called: Tumor predisposition; Neoplastic Syndromes, Hereditary; Hereditary Cancer Syndrome; Hereditary neoplastic syndrome. Identifiers: Orphanet 140162, MedGen C0027672, MeSH D009386, MONDO:0015356.
Lynch syndrome 5 (LYNCH5). Also called: Colorectal cancer, hereditary nonpolyposis, type 5; Hereditary non-polyposis colorectal cancer, type 5. Identifiers: Orphanet 144, MedGen C1833477, MONDO:0013710, OMIM 614350. Disease mechanism: loss of function.
Hereditary nonpolyposis colorectal neoplasms. Identifiers: MedGen C0009405, MeSH D003123.

Submissions (4):

Labcorp Genetics (formerly Invitae), Labcorp
Classification: Likely benign for Hereditary nonpolyposis colorectal neoplasms. Last evaluated: 2025-07-17. Review status: criteria provided, single submitter. Criteria: Invitae Variant Classification Sherloc (09022015). Collection method: clinical testing. Allele origin: germline.

Myriad Genetics, Inc.
Classification: Benign for Lynch syndrome 5. Last evaluated: 2024-12-17. Review status: criteria provided, single submitter. Criteria: Myriad Autosomal Dominant, Autosomal Recessive and X-Linked Classification Criteria (2023). Collection method: clinical testing. Allele origin: unknown.
Comment: This variant is considered benign. This variant is a silent/synonymous amino acid change and it is not expected to impact splicing.

All of Us Research Program, National Institutes of Health
Classification: Uncertain significance for Lynch syndrome. Last evaluated: 2023-09-04. Review status: criteria provided, single submitter. Criteria: ACMG Guidelines, 2015. Collection method: clinical testing. Allele origin: germline. Inheritance: Autosomal dominant inheritance. Observed: 1 variant allele, 1 heterozygote.
Comment: This variant is located in the MSH6 protein. To our knowledge, functional studies have not been reported for this variant. This variant has not been reported in individuals affected with MSH6-related disorders in the literature. This variant has not been identified in the general population by the Genome Aggregation Database (gnomAD). The available evidence is insufficient to determine the role of this variant in disease conclusively. Therefore, this variant is classified as a Variant of Uncertain Significance.

This study involves interpretation of variants in research participants for the purpose of population health screening. Participant phenotype was not available at the time of variant classification. Additional details can be found in publication PMID: 35346344, PMCID: PMC8962531

Ambry Genetics
Classification: Likely benign for Hereditary cancer-predisposing syndrome. Last evaluated: 2018-11-01. Review status: criteria provided, single submitter. Criteria: Ambry Variant Classification Scheme 2023. Collection method: clinical testing. Allele origin: germline.

NM_000179.3(MSH6):c.243G>C (p.Ala81=)

Gene: MSH6 (mutS homolog 6; plus strand). Cytogenetic location: 2p16.3.
Variant type: single nucleotide variant.
Coding change: c.243G>C on transcript NM_000179.3 (MANE Select); coding-DNA position 243, G replaced by C.
Protein change: p.Ala81=; no amino-acid change (alanine 81 retained).
Molecular consequence: synonymous variant. On other transcripts: 5 prime UTR variant (1), intron variant (1).
Genome position (GRCh38, 1-based): chr2:47,783,476, G>C. VCF-style: chr2-47783476-G-C. GRCh37 (hg19) VCF-style: chr2-48010615-G-C.
Other names: c.-494G>C (NM_001281493.2); c.237+6G>C (NM_001281492.2).
Identifiers: ClinVar variation 760105 (VCV000760105.17), dbSNP rs1057523564, ClinGen allele CA426120869.
Genomic context (GRCh38, chr2:47,783,476, plus strand): 5'-GCGCTCCGCGTCACCGCCCAAGGCGAAGAACCTCAACGGAGGGCTGCGGAGATCGGTAGC[G>C]CCTGCTGCCCCCACCAGGTAGCGGGGTGGGGGTGGGGTCGAAGGCGGGGGCATAGCGGCG-3'
Protein context (NP_000170.1, residues 71-91): NLNGGLRRSV[Ala81=]PAAPTSCDFS